The following is an entry in ClinVar:

NM_000059.4(BRCA2):c.241T>G (p.Phe81Val)

Gene: BRCA2 (BRCA2 DNA repair associated; plus strand). Cytogenetic location: 13q13.1.
Variant type: single nucleotide variant.
Coding change: c.241T>G on transcript NM_000059.4 (MANE Select); coding-DNA position 241, T replaced by G.
Protein change: p.Phe81Val; replaces phenylalanine 81 with valine.
Molecular consequence: missense variant.
Genome position (GRCh38, 1-based): chr13:32,319,250, T>G. VCF-style: chr13-32319250-T-G. GRCh37 (hg19) VCF-style: chr13-32893387-T-G.
Other names: short protein forms F81V.
Identifiers: ClinVar variation 433745 (VCV000433745.20), dbSNP rs80358507, ClinGen allele CA6940332.

ClinVar aggregate classification (germline): Uncertain significance. Review status: criteria provided, multiple submitters, no conflicts (2 of 4 stars). 4 submissions from 4 submitters: Uncertain significance (4). Last evaluated 2025-09-17.

Conditions:
Breast-ovarian cancer, familial, susceptibility to, 2 (BROVCA2). Also called: BRCA2 Hereditary Breast and Ovarian Cancer. Identifiers: Orphanet 145, MedGen C2675520, MONDO:0012933, OMIM 612555. Disease mechanism: loss of function.
Hereditary cancer-predisposing syndrome. Also called: Hereditary neoplastic syndrome; Tumor predisposition; Neoplastic Syndromes, Hereditary; Hereditary Cancer Syndrome. Identifiers: Orphanet 140162, MedGen C0027672, MeSH D009386, MONDO:0015356.
Hereditary breast ovarian cancer syndrome. Also called: BRCA1- and BRCA2-Associated Hereditary Breast and Ovarian Cancer; Hereditary breast and/or ovarian cancer syndrome; Hereditary breast and ovarian cancer; Hereditary breast and ovarian cancer syndrome; Hereditary breast and ovarian cancer syndrome (HBOC); Breast and ovarian cancer. Identifiers: Orphanet 145, MedGen C0677776, MeSH D061325, MONDO:0003582. Disease mechanism: loss of function.

Allele frequency attached by ClinVar (database versions not stated): TOPMed 0.00001; ESP Exome Variant Server 0.00015.
gnomAD v4.1: 5 of 1,613,700 alleles (0.00031%); highest among the groups gnomAD compares: Non-Finnish European, 0.00042%; no homozygotes.

Submissions (4):

Color Diagnostics, LLC DBA Color Health
Classification: Uncertain significance for Hereditary cancer-predisposing syndrome. Last evaluated: 2025-09-17. Review status: criteria provided, single submitter. Criteria: ACMG Guidelines, 2015. Collection method: clinical testing. Allele origin: germline.
Comment: This missense variant replaces phenylalanine with valine at codon 81 of the BRCA2 protein. Computational prediction suggests that this variant may not impact protein structure and function. To our knowledge, functional studies have not been reported for this variant. A multifactorial analysis has reached a combined likelihood ratio (LR) of 0.57 based on reported LR for co-occurrence with a pathogenic variant and/or segregation and personal and family history for 1 carrier (PMID: 31131967). This variant has been identified in 2/251364 chromosomes in the general population by the Genome Aggregation Database (gnomAD). The available evidence is insufficient to determine the role of this variant in disease conclusively. Therefore, this variant is classified as a Variant of Uncertain Significance.

Ambry Genetics
Classification: Uncertain significance for Hereditary cancer-predisposing syndrome. Last evaluated: 2025-04-13. Review status: criteria provided, single submitter. Criteria: Ambry Variant Classification Scheme 2023. Collection method: clinical testing. Allele origin: germline.
Comment: The p.F81V variant (also known as c.241T>G), located in coding exon 2 of the BRCA2 gene, results from a T to G substitution at nucleotide position 241. The phenylalanine at codon 81 is replaced by valine, an amino acid with highly similar properties. This amino acid position is highly conserved in available vertebrate species. In addition, the in silico prediction for this alteration is inconclusive. Since supporting evidence is limited at this time, the clinical significance of this alteration remains unclear.

All of Us Research Program, National Institutes of Health
Classification: Uncertain significance for Breast-ovarian cancer, familial, susceptibility to, 2. Last evaluated: 2023-08-15. Review status: criteria provided, single submitter. Criteria: ACMG Guidelines, 2015. Collection method: clinical testing. Allele origin: germline. Inheritance: Autosomal dominant inheritance. Observed: 1 variant allele, 1 heterozygote.
Comment: This missense variant replaces phenylalanine with valine at codon 81 of the BRCA2 protein. Computational prediction suggests that this variant may not impact protein structure and function (internally defined REVEL score threshold <= 0.5, PMID: 27666373). To our knowledge, functional studies have not been reported for this variant. This variant has been reported in a multifactorial analysis with co-occurrence and family history likelihood ratios for pathogenicity of 1.0246 and 0.3193, respectively (PMID: 31131967). This variant has been identified in 2/251364 chromosomes in the general population by the Genome Aggregation Database (gnomAD). The available evidence is insufficient to determine the role of this variant in disease conclusively. Therefore, this variant is classified as a Variant of Uncertain Significance.

This study involves interpretation of variants in research participants for the purpose of population health screening. Participant phenotype was not available at the time of variant classification. Additional details can be found in publication PMID: 35346344, PMCID: PMC8962531

Labcorp Genetics (formerly Invitae), Labcorp
Classification: Uncertain significance for Hereditary breast ovarian cancer syndrome. Last evaluated: 2022-09-02. Review status: criteria provided, single submitter. Criteria: Invitae Variant Classification Sherloc (09022015). Collection method: clinical testing. Allele origin: germline.
Comment: This variant has not been reported in the literature in individuals affected with BRCA2-related conditions. ClinVar contains an entry for this variant (Variation ID: 433745). Advanced modeling of protein sequence and biophysical properties (such as structural, functional, and spatial information, amino acid conservation, physicochemical variation, residue mobility, and thermodynamic stability) performed at Invitae indicates that this missense variant is not expected to disrupt BRCA2 protein function. RNA analysis performed to evaluate the impact of this missense change on mRNA splicing indicates it does not significantly alter splicing (Invitae). In summary, the available evidence is currently insufficient to determine the role of this variant in disease. Therefore, it has been classified as a Variant of Uncertain Significance. This variant is present in population databases (rs80358507, gnomAD 0.002%). This sequence change replaces phenylalanine, which is neutral and non-polar, with valine, which is neutral and non-polar, at codon 81 of the BRCA2 protein (p.Phe81Val).

Literature cited by the submitters: PubMed 31131967 (cited by Color Diagnostics, LLC DBA Color Health and All of Us Research Program, National Institutes of Health).